The following is an entry in ClinVar:

NM_000023.4(SGCA):c.586G>T (p.Val196Leu)

Gene: SGCA (sarcoglycan alpha; plus strand). Cytogenetic location: 17q21.33.
Variant type: single nucleotide variant.
Coding change: c.586G>T on transcript NM_000023.4 (MANE Select); coding-DNA position 586, G replaced by T.
Protein change: p.Val196Leu; replaces valine 196 with leucine.
Molecular consequence: missense variant. On other transcripts: non-coding transcript variant (1), intron variant (1).
Genome position (GRCh38, 1-based): chr17:50,169,093, G>T. VCF-style: chr17-50169093-G-T. GRCh37 (hg19) VCF-style: chr17-48246454-G-T.
Other names: c.584+521G>T (NM_001135697.3); short protein forms V196L.
Identifiers: ClinVar variation 1396712 (VCV001396712.10), dbSNP rs752695991, ClinGen allele CA8643848.

ClinVar aggregate classification (germline): Uncertain significance (1 of 4 stars; one submission).

Conditions:
Autosomal recessive limb-girdle muscular dystrophy type 2D (LGMDR3). Also called: DUCHENNE-LIKE AUTOSOMAL RECESSIVE MUSCULAR DYSTROPHY, TYPE 2; ADHALINOPATHY, PRIMARY; MUSCULAR DYSTROPHY, LIMB-GIRDLE, AUTOSOMAL RECESSIVE 3. Identifiers: Orphanet 62, MedGen C2936332, MONDO:0011968, OMIM 608099. Disease mechanism: Affects gamma-sarcoglycan and also disrupts the integrity of the entire sarcoglycan complex..

Allele frequency attached by ClinVar (database versions not stated): gnomAD exomes below 0.00001; ExAC 0.00001.
gnomAD v4.1: 1 of 1,613,728 alleles (0.000062%); highest among the groups gnomAD compares: South Asian, 0.0011%; no homozygotes.

Submission:

Labcorp Genetics (formerly Invitae), Labcorp
Classification: Uncertain significance for Autosomal recessive limb-girdle muscular dystrophy type 2D. Last evaluated: 2021-04-30. Review status: criteria provided, single submitter. Criteria: Invitae Variant Classification Sherloc (09022015). Collection method: clinical testing. Allele origin: germline.
Comment: This sequence change replaces valine with leucine at codon 196 of the SGCA protein (p.Val196Leu). The valine residue is highly conserved and there is a small physicochemical difference between valine and leucine. This variant is present in population databases (rs752695991, ExAC 0.006%). In summary, the available evidence is currently insufficient to determine the role of this variant in disease. Therefore, it has been classified as a Variant of Uncertain Significance. Algorithms developed to predict the effect of sequence changes on RNA splicing suggest that this variant may create or strengthen a splice site, but this prediction has not been confirmed by published transcriptional studies. Algorithms developed to predict the effect of missense changes on protein structure and function (SIFT, PolyPhen-2, Align-GVGD) all suggest that this variant is likely to be disruptive, but these predictions have not been confirmed by published functional studies and their clinical significance is uncertain. This variant has not been reported in the literature in individuals with SGCA-related conditions.